The following is an entry in ClinVar:

ClinVar aggregate classification (germline): Uncertain significance (1 of 4 stars; one submission).

Conditions:
Leukocyte adhesion deficiency 1 (LAD1). Also called: LEUKOCYTE ADHESION DEFICIENCY, TYPE I; LAD 1; Lymphocyte function-associated antigen 1 immunodeficiency; LFA 1 immunodeficiency. Identifiers: Orphanet 2968, Orphanet 99842, MedGen C0398738, MONDO:0007293, OMIM 116920.

Allele frequency attached by ClinVar (database versions not stated): gnomAD 0.00001; gnomAD exomes 0.00001 and 0.00002; TOPMed 0.00001; ExAC 0.00003.
gnomAD v4.1: 17 of 1,612,746 alleles (0.0011%); highest among the groups gnomAD compares: South Asian, 0.0077%; no homozygotes.

Submission:

Labcorp Genetics (formerly Invitae), Labcorp
Classification: Uncertain significance for Leukocyte adhesion deficiency 1. Last evaluated: 2021-08-27. Review status: criteria provided, single submitter. Criteria: Invitae Variant Classification Sherloc (09022015). Collection method: clinical testing. Allele origin: germline.
Comment: This sequence change replaces valine with isoleucine at codon 588 of the ITGB2 protein (p.Val588Ile). The valine residue is highly conserved and there is a small physicochemical difference between valine and isoleucine. This variant is present in population databases (rs748258747, ExAC 0.02%). This variant has not been reported in the literature in individuals affected with ITGB2-related conditions. Algorithms developed to predict the effect of missense changes on protein structure and function output the following: SIFT: "Deleterious"; PolyPhen-2: "Benign"; Align-GVGD: "Class C25". The isoleucine amino acid residue is found in multiple mammalian species, which suggests that this missense change does not adversely affect protein function. In summary, the available evidence is currently insufficient to determine the role of this variant in disease. Therefore, it has been classified as a Variant of Uncertain Significance.

NM_000211.5(ITGB2):c.1762G>A (p.Val588Ile)

Gene: ITGB2 (integrin subunit beta 2; minus strand). Cytogenetic location: 21q22.3.
Variant type: single nucleotide variant.
Coding change: c.1762G>A on transcript NM_000211.5 (MANE Select); coding-DNA position 1762, G replaced by A.
Protein change: p.Val588Ile; replaces valine 588 with isoleucine.
Molecular consequence: missense variant.
Genome position (GRCh38, 1-based): chr21:44,889,391, C>T on the plus strand (G>A on the coding strand, the complement: ITGB2 is on the minus strand). VCF-style: chr21-44889391-C-T. GRCh37 (hg19) VCF-style: chr21-46309306-C-T.
Other names: c.1762G>A, p.Val588Ile (NM_001127491.3); c.1555G>A, p.Val519Ile (NM_001303238.2); short protein forms V519I, V588I.
Identifiers: ClinVar variation 1421479 (VCV001421479.5), dbSNP rs748258747, ClinGen allele CA10062713.